The following is an entry in ClinVar:

ClinVar aggregate classification (germline): Uncertain significance (1 of 4 stars; one submission).

Conditions:
Neuroblastoma, susceptibility to, 3. Also called: ALK-Related Neuroblastic Tumor Susceptibility. Identifiers: Orphanet 635, MedGen C2751681, MONDO:0013083, OMIM 613014.

Submission:

Labcorp Genetics (formerly Invitae), Labcorp
Classification: Uncertain significance for Neuroblastoma, susceptibility to, 3. Last evaluated: 2026-01-06. Review status: criteria provided, single submitter. Criteria: Invitae Variant Classification Sherloc (09022015). Collection method: clinical testing. Allele origin: germline.
Comment: This sequence change replaces alanine, which is neutral and non-polar, with valine, which is neutral and non-polar, at codon 363 of the ALK protein (p.Ala363Val). This variant is not present in population databases (gnomAD no frequency). This variant has not been reported in the literature in individuals affected with ALK-related conditions. ClinVar contains an entry for this variant (Variation ID: 3641438). An algorithm developed to predict the effect of missense changes on protein structure and function (PolyPhen-2) suggests that this variant is likely to be tolerated. In summary, the available evidence is currently insufficient to determine the role of this variant in disease. Therefore, it has been classified as a Variant of Uncertain Significance.

NM_004304.5(ALK):c.1088C>T (p.Ala363Val)

Gene: ALK (ALK receptor tyrosine kinase; minus strand). Cytogenetic location: 2p23.2.
Variant type: single nucleotide variant.
Coding change: c.1088C>T on transcript NM_004304.5 (MANE Select); coding-DNA position 1088, C replaced by T.
Protein change: p.Ala363Val; replaces alanine 363 with valine.
Molecular consequence: missense variant.
Genome position (GRCh38, 1-based): chr2:29,531,981, G>A on the plus strand (C>T on the coding strand, the complement: ALK is on the minus strand). VCF-style: chr2-29531981-G-A. GRCh37 (hg19) VCF-style: chr2-29754847-G-A.
Other names: short protein forms A363V.
Identifiers: ClinVar variation 3641438 (VCV003641438.2).
Genomic context (GRCh38, chr2:29,531,981, plus strand): 5'-TTCCCTGGAGTGGGCATCAGGAGGATCTCTCTTGCAGCCTCGTTGTGGGGCAGCAGCTGG[G>A]CAATGTACCTTCCAGAGGGCTGCAGGTGCCTGTGCACCGAGACGGCCAGTGTGCAGTGCT-3'
Protein context (NP_004295.2, residues 353-373): RHLQPSGRYI[Ala363Val]QLLPHNEAAR